The following is an entry in ClinVar:

ClinVar aggregate classification (germline): Pathogenic. Review status: criteria provided, multiple submitters, no conflicts (2 of 4 stars). 2 submissions from 2 submitters: Pathogenic (2). Last evaluated 2024-10-17.

Conditions:
Epidermolysis bullosa dystrophica. Also called: Dystrophic epidermolysis bullosa, Hallopeau-Siemens type (formerly); Dystrophic epidermolysis bullosa. Identifiers: Orphanet 303, MedGen C0079294, MONDO:0006543.

Submissions (2):

Natera, Inc.
Classification: Pathogenic for Dystrophic epidermolysis bullosa. Last evaluated: 2024-10-17. Review status: criteria provided, single submitter. Criteria: Natera Variant Classification Schema (03/2026). Collection method: clinical testing. Allele origin: germline.
Comment: The c.8540dup variant in COL7A1 is a frameshift variant predicted to shift the reading frame and introduce a stop codon. This variant is expected to result in nonsense mediated decay, truncation, or a dysfunctional protein product. This variant is rare in the general population with a frequency below the threshold expected for the associated phenotype(s). This variant has been observed in one or more individuals affected with the associated recessive disease, as either homozygous or compound heterozygous with a second variant (PMID: 21113014). Given the available evidence, this variant is classified as Pathogenic.

Labcorp Genetics (formerly Invitae), Labcorp
Classification: Pathogenic. Last evaluated: 2022-07-06. Review status: criteria provided, single submitter. Criteria: Invitae Variant Classification Sherloc (09022015). Collection method: clinical testing. Allele origin: germline.
Comment: This variant is not present in population databases (gnomAD no frequency). For these reasons, this variant has been classified as Pathogenic. ClinVar contains an entry for this variant (Variation ID: 1408306). This premature translational stop signal has been observed in individual(s) with autosomal recessive dystrophic epidermolysis bullosa (PMID: 21113014). This sequence change creates a premature translational stop signal (p.Glu2848*) in the COL7A1 gene. It is expected to result in an absent or disrupted protein product. Loss-of-function variants in COL7A1 are known to be pathogenic (PMID: 16971478).

Literature cited by the submitters: PubMed 21113014 (cited by Natera, Inc. and Labcorp Genetics (formerly Invitae), Labcorp); PubMed 16971478 (cited by Labcorp Genetics (formerly Invitae), Labcorp).

NM_000094.4(COL7A1):c.8540dup (p.Pro2847_Glu2848insTer)

Gene: COL7A1 (collagen type VII alpha 1 chain; minus strand). Cytogenetic location: 3p21.31.
Variant type: Duplication.
Coding change: c.8540dup on transcript NM_000094.4 (MANE Select); coding-DNA position 8540, one base duplicated (C; older notation c.8540dupC).
Protein change: p.Pro2847_Glu2848insTer.
Molecular consequence: frameshift variant.
Genome position (GRCh38, 1-based): chr3:48,565,189, G duplicated on the plus strand (C on the coding strand, the reverse complement: COL7A1 is on the minus strand); the first of 5 consecutive G bases (chr3:48,565,189-48,565,193); duplicating any one gives the same sequence. VCF-style (leftmost placement, unchanged base first): chr3-48565188-A-AG. GRCh37 (hg19) VCF-style: chr3-48602621-A-AG.
Other names: c.8540dup (NM_000094.3).
Identifiers: ClinVar variation 1408306 (VCV001408306.7), dbSNP rs2107626695, ClinGen allele CA2573137095.